The following is an entry in ClinVar:

ClinVar aggregate classification (germline): Likely benign. Review status: criteria provided, multiple submitters, no conflicts (2 of 4 stars). 3 submissions from 3 submitters: Likely benign (2). 1 of the submissions does not count toward it. Last evaluated 2025-07-14.

Conditions:
ANKRD26-related disorder. Also called: ANKRD26-related condition.
Inborn genetic diseases. Identifiers: MedGen C0950123, MeSH D030342.

Allele frequency attached by ClinVar (database versions not stated): gnomAD exomes below 0.00001; ExAC 0.00001; TOPMed 0.00001; gnomAD 0.00002; 1000 Genomes Project 30x 0.00016; 1000 Genomes Project 0.00020.
gnomAD v4.1: 4 of 1,585,926 alleles (0.00025%); highest among the groups gnomAD compares: African/African-American, 0.004%; no homozygotes.

Submissions (3):

Labcorp Genetics (formerly Invitae), Labcorp
Classification: Likely benign. Last evaluated: 2025-07-14. Review status: criteria provided, single submitter. Criteria: Invitae Variant Classification Sherloc (09022015). Collection method: clinical testing. Allele origin: germline.

Ambry Genetics
Classification: Likely benign for Inborn genetic diseases. Last evaluated: 2025-06-08. Review status: criteria provided, single submitter. Criteria: Ambry Variant Classification Scheme 2023. Collection method: clinical testing. Allele origin: germline.

PreventionGenetics, part of Exact Sciences
Classification: Likely benign for ANKRD26-related condition. Last evaluated: 2023-02-08. Review status: no assertion criteria provided. Collection method: clinical testing. Allele origin: germline. Not counted in ClinVar's aggregate classification.
Comment: This variant is classified as likely benign based on ACMG/AMP sequence variant interpretation guidelines (Richards et al. 2015 PMID: 25741868, with internal and published modifications).

NM_014915.3(ANKRD26):c.4098C>T (p.Leu1366=)

Gene: ANKRD26 (ankyrin repeat domain 26; minus strand). Cytogenetic location: 10p12.1.
Variant type: single nucleotide variant.
Coding change: c.4098C>T on transcript NM_014915.3 (MANE Select); coding-DNA position 4098, C replaced by T.
Protein change: p.Leu1366=; no amino-acid change (leucine 1366 retained).
Molecular consequence: synonymous variant.
Genome position (GRCh38, 1-based): chr10:27,022,675, G>A on the plus strand (C>T on the coding strand, the complement: ANKRD26 is on the minus strand). VCF-style: chr10-27022675-G-A. GRCh37 (hg19) VCF-style: chr10-27311604-G-A.
Other names: c.4095C>T, p.Leu1365= (NM_001256053.2).
Identifiers: ClinVar variation 3044629 (VCV003044629.4), dbSNP rs535737907, ClinGen allele CA5447846.